The following is an entry in ClinVar:

NM_178822.5(IGSF10):c.5278G>T (p.Gly1760Ter)

Gene: IGSF10 (immunoglobulin superfamily member 10; minus strand). Cytogenetic location: 3q25.1.
Variant type: single nucleotide variant.
Coding change: c.5278G>T on transcript NM_178822.5 (MANE Select); coding-DNA position 5278, G replaced by T.
Protein change: p.Gly1760Ter; replaces glycine 1760 with a stop codon.
Molecular consequence: nonsense.
Genome position (GRCh38, 1-based): chr3:151,443,669, C>A on the plus strand (G>T on the coding strand, the complement: IGSF10 is on the minus strand). VCF-style: chr3-151443669-C-A. GRCh37 (hg19) VCF-style: chr3-151161457-C-A.
Other names: c.5278G>T, p.Gly1760Ter (NM_001385060.1, NM_001385061.1, NM_001385062.1 and 1 more transcripts); short protein forms G1760*.
Identifiers: ClinVar variation 2072802 (VCV002072802.4), dbSNP rs371561405, ClinGen allele CA2669769.

ClinVar aggregate classification (germline): Uncertain significance (1 of 4 stars; one submission).

gnomAD v4.1: 19 of 1,614,004 alleles (0.0012%); highest among the groups gnomAD compares: African/African-American, 0.021%; no homozygotes.

Submission:

Labcorp Genetics (formerly Invitae), Labcorp
Classification: Uncertain significance. Last evaluated: 2022-05-06. Review status: criteria provided, single submitter. Criteria: Invitae Variant Classification Sherloc (09022015). Collection method: clinical testing. Allele origin: germline.
Comment: In summary, the available evidence is currently insufficient to determine the role of this variant in disease. Therefore, it has been classified as a Variant of Uncertain Significance. This variant has not been reported in the literature in individuals affected with IGSF10-related conditions. This variant is present in population databases (rs371561405, gnomAD 0.03%). This sequence change creates a premature translational stop signal (p.Gly1760*) in the IGSF10 gene. It is expected to result in an absent or disrupted protein product. However, the current clinical and genetic evidence is not sufficient to establish whether loss-of-function variants in IGSF10 cause disease.